The following is an entry in ClinVar:

NM_017679.5(BCAS3):c.2264C>T (p.Pro755Leu)

Genes: BCAS3 (BCAS3 microtubule associated cell migration factor; plus strand), BCAS3-AS1 (BCAS3 antisense RNA 1; minus strand). Cytogenetic location: 17q23.2.
Variant type: single nucleotide variant.
Coding change: c.2264C>T on transcript NM_017679.5 (MANE Select); coding-DNA position 2264, C replaced by T.
Protein change: p.Pro755Leu; replaces proline 755 with leucine.
Molecular consequence: missense variant.
Genome position (GRCh38, 1-based): chr17:61,078,466, C>T. VCF-style: chr17-61078466-C-T. GRCh37 (hg19) VCF-style: chr17-59155827-C-T.
Other names: c.2309C>T (NM_001099432.1); c.2309C>T, p.Pro770Leu (NM_001099432.3, NM_001330413.2, NM_001353146.2); c.2264C>T, p.Pro755Leu (NM_001320470.3, NM_001330414.2); c.2399C>T, p.Pro800Leu (NM_001353144.2); c.2354C>T, p.Pro785Leu (NM_001353145.2); short protein forms P800L, P785L, P770L, P755L.
Identifiers: ClinVar variation 2149354 (VCV002149354.5), dbSNP rs746765764, ClinGen allele CA8688780.

ClinVar aggregate classification (germline): Uncertain significance. Review status: criteria provided, multiple submitters, no conflicts (2 of 4 stars). 2 submissions from 2 submitters: Uncertain significance (2). Last evaluated 2025-07-03.

Conditions:
Inborn genetic diseases. Identifiers: MedGen C0950123, MeSH D030342.

Allele frequency attached by ClinVar (database versions not stated): ExAC 0.00001; gnomAD exomes 0.00001; TOPMed 0.00003; gnomAD 0.00004.
gnomAD v4.1: 25 of 1,613,986 alleles (0.0015%); highest among the groups gnomAD compares: African/African-American, 0.0027%; no homozygotes.

Submissions (2):

Ambry Genetics
Classification: Uncertain significance for Inborn genetic diseases. Last evaluated: 2025-07-03. Review status: criteria provided, single submitter. Criteria: Ambry Variant Classification Scheme 2023. Collection method: clinical testing. Allele origin: germline.

Labcorp Genetics (formerly Invitae), Labcorp
Classification: Uncertain significance. Last evaluated: 2022-03-31. Review status: criteria provided, single submitter. Criteria: Invitae Variant Classification Sherloc (09022015). Collection method: clinical testing. Allele origin: germline.
Comment: This variant is present in population databases (rs746765764, gnomAD 0.008%). This sequence change replaces proline, which is neutral and non-polar, with leucine, which is neutral and non-polar, at codon 770 of the BCAS3 protein (p.Pro770Leu). Algorithms developed to predict the effect of missense changes on protein structure and function are either unavailable or do not agree on the potential impact of this missense change (SIFT: "Not Available"; PolyPhen-2: "Possibly Damaging"; Align-GVGD: "Not Available"). This variant has not been reported in the literature in individuals affected with BCAS3-related conditions. In summary, the available evidence is currently insufficient to determine the role of this variant in disease. Therefore, it has been classified as a Variant of Uncertain Significance.